The following is an entry in ClinVar:

ClinVar aggregate classification (germline): Conflicting classifications of pathogenicity. Review status: criteria provided, conflicting classifications (1 of 4 stars). 4 submissions from 4 submitters: Likely pathogenic (1); Uncertain significance (2). 1 of the submissions does not count toward it. Last evaluated 2023-05-24.

Conditions:
Methylmalonic aciduria, cblA type (MACA). Also called: Methylmalonic aciduria, vitamin b12-responsive, due to defect in synthesis of adenosylcobalamin, cbla complementation type; MMA cbl A type; Methylmalonic acidemia cblA type; Methylmalonic aciduria, vitamin B12-responsive; Vitamin B12-responsive methylmalonic acidemia type cblA. Identifiers: Orphanet 28, Orphanet 79310, MedGen C1855109, MONDO:0009613, OMIM 251100.
Inborn genetic diseases. Identifiers: MedGen C0950123, MeSH D030342.

Allele frequency attached by ClinVar (database versions not stated): gnomAD exomes below 0.00001; TOPMed 0.00001.
gnomAD v4.1: 5 of 1,614,162 alleles (0.00031%); highest among the groups gnomAD compares: Admixed American, 0.0017%; no homozygotes.

Submissions (4):

Ambry Genetics
Classification: Uncertain significance for Inborn genetic diseases. Last evaluated: 2023-05-24. Review status: criteria provided, single submitter. Criteria: Ambry Variant Classification Scheme 2023. Collection method: clinical testing. Allele origin: germline.

Labcorp Genetics (formerly Invitae), Labcorp
Classification: Uncertain significance for Methylmalonic aciduria, cblA type. Last evaluated: 2022-08-09. Review status: criteria provided, single submitter. Criteria: Invitae Variant Classification Sherloc (09022015). Collection method: clinical testing. Allele origin: germline.
Comment: This sequence change replaces arginine, which is basic and polar, with glycine, which is neutral and non-polar, at codon 222 of the MMAA protein (p.Arg222Gly). This variant is present in population databases (no rsID available, gnomAD 0.003%). This variant has not been reported in the literature in individuals affected with MMAA-related conditions. ClinVar contains an entry for this variant (Variation ID: 522648). Advanced modeling of protein sequence and biophysical properties (such as structural, functional, and spatial information, amino acid conservation, physicochemical variation, residue mobility, and thermodynamic stability) performed at Invitae indicates that this missense variant is expected to disrupt MMAA protein function. In summary, the available evidence is currently insufficient to determine the role of this variant in disease. Therefore, it has been classified as a Variant of Uncertain Significance.

Genomic Research Center, Shahid Beheshti University of Medical Sciences
Classification: Likely pathogenic for Methylmalonic aciduria, cblA type. Last evaluated: 2017-12-03. Review status: criteria provided, single submitter. Criteria: ACMG Guidelines, 2015. Collection method: clinical testing. Allele origin: inherited.

Natera, Inc.
Classification: Uncertain significance for Methylmalonic aciduria cblA type. Last evaluated: 2025-03-11. Review status: no assertion criteria provided. Collection method: clinical testing. Allele origin: germline. Not counted in ClinVar's aggregate classification.

NM_172250.3(MMAA):c.664A>G (p.Arg222Gly)

Gene: MMAA (metabolism of cobalamin associated A; plus strand). Cytogenetic location: 4q31.21.
Variant type: single nucleotide variant.
Coding change: c.664A>G on transcript NM_172250.3 (MANE Select); coding-DNA position 664, A replaced by G.
Protein change: p.Arg222Gly; replaces arginine 222 with glycine.
Molecular consequence: missense variant.
Genome position (GRCh38, 1-based): chr4:145,646,087, A>G. VCF-style: chr4-145646087-A-G. GRCh37 (hg19) VCF-style: chr4-146567239-A-G.
Other names: short protein forms R222G.
Identifiers: ClinVar variation 522648 (VCV000522648.9), dbSNP rs920825350, ClinGen allele CA107725494.
Genomic context (GRCh38, chr4:145,646,087, plus strand): 5'-AGAGATATGAATGCATACATCAGGCCATCTCCTACTAGAGGAACTTTAGGAGGCGTGACA[A>G]GGACCACAAATGAAGCTATTCTGTTGTGTGAAGGAGCGGGATATGACATAATTCTTATTG-3'
Protein context (NP_758454.1, residues 212-232): PTRGTLGGVT[Arg222Gly]TTNEAILLCE